The following is an entry in ClinVar:

NM_206933.4(USH2A):c.10511C>T (p.Pro3504Leu)

Gene: USH2A (usherin; minus strand). Cytogenetic location: 1q41.
Variant type: single nucleotide variant.
Coding change: c.10511C>T on transcript NM_206933.4 (MANE Select); coding-DNA position 10511, C replaced by T.
Protein change: p.Pro3504Leu; replaces proline 3504 with leucine.
Molecular consequence: missense variant.
Genome position (GRCh38, 1-based): chr1:215,782,812, G>A on the plus strand (C>T on the coding strand, the complement: USH2A is on the minus strand). VCF-style: chr1-215782812-G-A. GRCh37 (hg19) VCF-style: chr1-215956154-G-A.
Other names: c.10511C>T (NM_206933.3); short protein forms P3504L.
Identifiers: ClinVar variation 1900029 (VCV001900029.3), dbSNP rs745651002, ClinGen allele CA1393999.

ClinVar aggregate classification (germline): Uncertain significance. Review status: criteria provided, multiple submitters, no conflicts (2 of 4 stars). 2 submissions from 2 submitters: Uncertain significance (2). Last evaluated 2024-12-19.

Conditions:
Usher syndrome type 2A. Also called: USHER SYNDROME, TYPE IIA; RETINAL DISEASE IN USHER SYNDROME TYPE IIA, MODIFIER OF. Identifiers: Orphanet 231178, Orphanet 886, MedGen C1848634, MONDO:0010169, OMIM 276901.

Allele frequency attached by ClinVar (database versions not stated): ExAC 0.00001.
gnomAD v4.1: 9 of 1,613,936 alleles (0.00056%); highest among the groups gnomAD compares: Non-Finnish European, 0.00068%; no homozygotes.

Submissions (2):

Genomic Medicine Center of Excellence, King Faisal Specialist Hospital and Research Centre
Classification: Uncertain significance for Usher syndrome type 2A. Last evaluated: 2024-12-19. Review status: criteria provided, single submitter. Criteria: ACMG Guidelines, 2015. Collection method: clinical testing. Allele origin: germline.

Labcorp Genetics (formerly Invitae), Labcorp
Classification: Uncertain significance. Last evaluated: 2022-05-08. Review status: criteria provided, single submitter. Criteria: Invitae Variant Classification Sherloc (09022015). Collection method: clinical testing. Allele origin: germline.
Comment: This sequence change replaces proline, which is neutral and non-polar, with leucine, which is neutral and non-polar, at codon 3504 of the USH2A protein (p.Pro3504Leu). This variant is present in population databases (rs745651002, gnomAD 0.0009%). This variant has not been reported in the literature in individuals affected with USH2A-related conditions. Algorithms developed to predict the effect of missense changes on protein structure and function are either unavailable or do not agree on the potential impact of this missense change (SIFT: "Deleterious"; PolyPhen-2: "Possibly Damaging"; Align-GVGD: "Class C0"). In summary, the available evidence is currently insufficient to determine the role of this variant in disease. Therefore, it has been classified as a Variant of Uncertain Significance.